The following is an entry in ClinVar:

ClinVar aggregate classification (germline): Likely pathogenic (1 of 4 stars; one submission).

Submission:

Labcorp Genetics (formerly Invitae), Labcorp
Classification: Likely pathogenic. Last evaluated: 2025-04-02. Review status: criteria provided, single submitter. Criteria: Invitae Variant Classification Sherloc (09022015). Collection method: clinical testing. Allele origin: germline.
Comment: This sequence change affects a splice site in intron 9 of the PHEX gene. It is expected to disrupt RNA splicing. Variants that disrupt the donor or acceptor splice site typically lead to a loss of protein function (PMID: 16199547), and loss-of-function variants in PHEX are known to be pathogenic (PMID: 9097956, 9106524, 19219621). This variant is not present in population databases (gnomAD no frequency). Disruption of this splice site has been observed in individual(s) with clinical features of PHEX-related conditions (internal data). Algorithms developed to predict the effect of sequence changes on RNA splicing suggest that this variant may disrupt the consensus splice site. In summary, the currently available evidence indicates that the variant is pathogenic, but additional data are needed to prove that conclusively. Therefore, this variant has been classified as Likely Pathogenic.

Literature cited by the submitters: PubMed 16199547; PubMed 9097956; PubMed 9106524; PubMed 19219621.

NM_000444.6(PHEX):c.1079+1del

Gene: PHEX (phosphate regulating endopeptidase X-linked; plus strand). Cytogenetic location: Xp22.11.
Variant type: Deletion.
Coding change: c.1079+1del on transcript NM_000444.6 (MANE Select); the canonical splice donor site of the intron after coding-DNA position 1079, one base deleted (G; older notation c.1079+1delG).
Molecular consequence: splice donor variant.
Genome position (GRCh38, 1-based): chrX:22,099,152, G deleted. VCF-style (leftmost placement, unchanged base first): chrX-22099151-AG-A. GRCh37 (hg19) VCF-style: chrX-22117269-AG-A.
Other names: c.1079+1del (NM_001282754.2).
Identifiers: ClinVar variation 4716605 (VCV004716605.1).
Genomic context (GRCh38, chrX:22,099,151, plus strand): 5'-TGGTCCGCGTCCCGCAGTACTTTAAAGATTTGTTTAGGATATTAGGGTCTGAGAGAAAGA[AG>A]TAAGAACTTTCACATGAATTTTACTGTGACTTTTGTGTTTTCTTTAAATTATAAGGGCTT-3'